The following is an entry in ClinVar:

ClinVar aggregate classification (germline): Uncertain significance (1 of 4 stars; one submission).

Conditions:
Inborn genetic diseases. Identifiers: MedGen C0950123, MeSH D030342.

Submission:

Ambry Genetics
Classification: Uncertain significance for Inborn genetic diseases. Last evaluated: 2026-08-08. Review status: criteria provided, single submitter. Criteria: Ambry Variant Classification Scheme 2023. Collection method: clinical testing. Allele origin: germline.
Comment: The p.D374G variant (also known as c.1121A>G), located in coding exon 3 of the MBD4 gene, results from an A to G substitution at nucleotide position 1121. The aspartic acid at codon 374 is replaced by glycine, an amino acid with similar properties. This amino acid position is conserved. In addition, the in silico prediction for this alteration is inconclusive. Based on the available evidence, the clinical significance of this variant remains unclear.

NM_001276270.2(MBD4):c.1121A>G (p.Asp374Gly)

Gene: MBD4 (methyl-CpG binding domain 4, DNA glycosylase; minus strand). Cytogenetic location: 3q21.3.
Variant type: single nucleotide variant.
Coding change: c.1121A>G on transcript NM_001276270.2 (MANE Select); coding-DNA position 1121, A replaced by G.
Protein change: p.Asp374Gly; replaces aspartic acid 374 with glycine.
Molecular consequence: missense variant. On other transcripts: intron variant (1).
Genome position (GRCh38, 1-based): chr3:129,436,523, T>C on the plus strand (A>G on the coding strand, the complement: MBD4 is on the minus strand). VCF-style: chr3-129436523-T-C. GRCh37 (hg19) VCF-style: chr3-129155366-T-C.
Other names: c.1121A>G, p.Asp374Gly (NM_001276271.2, NM_001276272.2, NM_003925.3); c.247+1285A>G (NM_001276273.2); short protein forms D374G.
Identifiers: ClinVar variation 5024031 (VCV005024031.1).